The following is an entry in ClinVar:

ClinVar aggregate classification (germline): Uncertain significance. Review status: criteria provided, multiple submitters, no conflicts (2 of 4 stars). 2 submissions from 2 submitters: Uncertain significance (2). Last evaluated 2023-10-19.

Conditions:
Cystic fibrosis (CF). Also called: MUCOVISCIDOSIS. Identifiers: Orphanet 586, MedGen C0010674, MONDO:0009061, OMIM 219700. Disease mechanism: loss of function.

Allele frequency attached by ClinVar (database versions not stated): gnomAD exomes below 0.00001.
gnomAD v4.1: 2 of 1,613,802 alleles (0.00012%); highest among the groups gnomAD compares: African/African-American, 0.0013%; no homozygotes.

Submissions (2):

Blueprint Genetics
Classification: Uncertain significance. Last evaluated: 2023-10-19. Review status: criteria provided, single submitter. Criteria: ACMG Guidelines, 2015. Collection method: clinical testing. Allele origin: germline.

Ambry Genetics
Classification: Uncertain significance for Cystic fibrosis. Last evaluated: 2021-09-27. Review status: criteria provided, single submitter. Criteria: Ambry Variant Classification Scheme 2023. Collection method: clinical testing. Allele origin: germline.
Comment: The p.A655V variant (also known as c.1964C>T), located in coding exon 14 of the CFTR gene, results from a C to T substitution at nucleotide position 1964. The alanine at codon 655 is replaced by valine, an amino acid with similar properties. This amino acid position is conserved. In addition, the in silico prediction for this alteration is inconclusive. Since supporting evidence is limited at this time, the clinical significance of this alteration remains unclear.

NM_000492.4(CFTR):c.1964C>T (p.Ala655Val)

Gene: CFTR (CF transmembrane conductance regulator; plus strand). Cytogenetic location: 7q31.2.
Variant type: single nucleotide variant.
Coding change: c.1964C>T on transcript NM_000492.4 (MANE Select); coding-DNA position 1964, C replaced by T.
Protein change: p.Ala655Val; replaces alanine 655 with valine.
Molecular consequence: missense variant.
Genome position (GRCh38, 1-based): chr7:117,592,131, C>T. VCF-style: chr7-117592131-C-T. GRCh37 (hg19) VCF-style: chr7-117232185-C-T.
Other names: short protein forms A655V.
Identifiers: ClinVar variation 1783494 (VCV001783494.3), dbSNP rs2485109578, ClinGen allele CA368979031.